The following is an entry in ClinVar:

NM_004628.5(XPC):c.1255G>A (p.Gly419Ser)

Gene: XPC (XPC complex subunit, DNA damage recognition and repair factor; minus strand). Cytogenetic location: 3p25.1.
Variant type: single nucleotide variant.
Coding change: c.1255G>A on transcript NM_004628.5 (MANE Select); coding-DNA position 1255, G replaced by A.
Protein change: p.Gly419Ser; replaces glycine 419 with serine.
Molecular consequence: missense variant. On other transcripts: non-coding transcript variant (2).
Genome position (GRCh38, 1-based): chr3:14,158,628, C>T on the plus strand (G>A on the coding strand, the complement: XPC is on the minus strand). VCF-style: chr3-14158628-C-T. GRCh37 (hg19) VCF-style: chr3-14200128-C-T.
Other names: c.676G>A, p.Gly226Ser (NM_001354726.2); c.1255G>A, p.Gly419Ser (NM_001354727.2, NM_001354730.2); c.1237G>A, p.Gly413Ser (NM_001354729.2); short protein forms G226S, G419S, G413S.
Identifiers: ClinVar variation 2118021 (VCV002118021.4), dbSNP rs1696036090, ClinGen allele CA351540749.
Genomic context (GRCh38, chr3:14,158,628, plus strand): 5'-CCTCATCACTCCCACTCTCCTCTTTATAAGACACCCTGGAGGCCACCCGCCGCTCCCGGC[C>T]ATGCGGACGTCGCTGGGTTGCCTTCTCCTGCTTGTCTCCTGGGCCCTCATCTTCCTCGCT-3'
Protein context (NP_004619.3, residues 409-429): QEKATQRRPH[Gly419Ser]RERRVASRVS

ClinVar aggregate classification (germline): Uncertain significance (1 of 4 stars; one submission).

gnomAD v4.1: 1 of 1,613,898 alleles (0.000062%); highest among the groups gnomAD compares: East Asian, 0.0022%; no homozygotes.

Submission:

Labcorp Genetics (formerly Invitae), Labcorp
Classification: Uncertain significance. Last evaluated: 2022-03-27. Review status: criteria provided, single submitter. Criteria: Invitae Variant Classification Sherloc (09022015). Collection method: clinical testing. Allele origin: germline.
Comment: In summary, the available evidence is currently insufficient to determine the role of this variant in disease. Therefore, it has been classified as a Variant of Uncertain Significance. Algorithms developed to predict the effect of missense changes on protein structure and function output the following: SIFT: "Not Available"; PolyPhen-2: "Benign"; Align-GVGD: "Not Available". The serine amino acid residue is found in multiple mammalian species, which suggests that this missense change does not adversely affect protein function. This variant has not been reported in the literature in individuals affected with XPC-related conditions. This variant is not present in population databases (gnomAD no frequency). This sequence change replaces glycine, which is neutral and non-polar, with serine, which is neutral and polar, at codon 419 of the XPC protein (p.Gly419Ser).